The following is an entry in ClinVar:

ClinVar aggregate classification (germline): Uncertain significance (1 of 4 stars; one submission).

Conditions:
Inborn genetic diseases. Identifiers: MedGen C0950123, MeSH D030342.

Submission:

Ambry Genetics
Classification: Uncertain significance for Inborn genetic diseases. Last evaluated: 2022-01-18. Review status: criteria provided, single submitter. Criteria: Ambry Variant Classification Scheme 2023. Collection method: clinical testing. Allele origin: germline.
Comment: The c.2864_2866delAGA variant (also known as p.K955del) is located in coding exon 23 of the SBF2 gene. This variant results from an in-frame AGA deletion at nucleotide positions 2864 to 2866. This results in the in-frame deletion of a lysine at codon 955. This amino acid position is highly conserved in available vertebrate species. In addition, this alteration is predicted to be deleterious by in silico analysis (Choi Y et al. PLoS ONE. 2012; 7(10):e46688). Since supporting evidence is limited at this time, the clinical significance of this alteration remains unclear.

NM_030962.4(SBF2):c.2858AGA[2] (p.Lys955del)

Genes: SBF2 (SET binding factor 2; minus strand), LOC101928008 (uncharacterized LOC101928008; plus strand). Cytogenetic location: 11p15.4.
Variant type: Microsatellite.
Coding change: c.2858AGA[2] on transcript NM_030962.4 (MANE Select); two copies in a row of the 3-base unit AGA starting at c.2858; the reference has three copies in a row; one copy, 3 bases deleted.
Protein change: p.Lys955del; deletes lysine 955.
Molecular consequence: inframe deletion. On other transcripts: inframe indel (2).
Genome position (GRCh38, 1-based): chr11:9,847,024-9,847,026, TCT deleted on the plus strand (AGA on the coding strand, the reverse complement: SBF2 is on the minus strand); deleting any 3 consecutive bases within chr11:9,847,024-9,847,032 gives the same sequence; the position shown is the placement nearest the transcript's 3' end. VCF-style (leftmost placement, unchanged base first): chr11-9847023-ATCT-A. GRCh37 (hg19) VCF-style: chr11-9868570-ATCT-A.
Other names: c.2858AGA[2], p.Lys955del (NM_001386339.1); c.2729AGA[2], p.Lys912del (NM_001386342.1); c.2858_2860AGA[2], p.Lys955del (NM_030962.3); c.2864_2866delAGA (NM_030962.3); short protein forms K912del, K955del.
Identifiers: ClinVar variation 1796986 (VCV001796986.2), dbSNP rs1207623341, ClinGen allele CA597567068.